The following is an entry in ClinVar:

ClinVar aggregate classification (germline): Uncertain significance (1 of 4 stars; one submission).

Conditions:
Aortic valve disease 2 (AOVD2). Identifiers: MedGen C3542024, MONDO:0013902, OMIM 614823.

Submission:

Labcorp Genetics (formerly Invitae), Labcorp
Classification: Uncertain significance for Aortic valve disease 2. Last evaluated: 2022-12-20. Review status: criteria provided, single submitter. Criteria: Invitae Variant Classification Sherloc (09022015). Collection method: clinical testing. Allele origin: germline.
Comment: This variant, c.403_423dup, results in the insertion of 7 amino acid(s) of the SMAD6 protein (p.Ala135_Ala141dup), but otherwise preserves the integrity of the reading frame. This variant is not present in population databases (gnomAD no frequency). This variant has not been reported in the literature in individuals affected with SMAD6-related conditions. In summary, the available evidence is currently insufficient to determine the role of this variant in disease. Therefore, it has been classified as a Variant of Uncertain Significance.

NM_005585.5(SMAD6):c.403_423dup (p.Ala141_Ser142insAlaGlyAlaProArgAspAla)

Gene: SMAD6 (SMAD family member 6; plus strand). Cytogenetic location: 15q22.31.
Variant type: Duplication.
Coding change: c.403_423dup on transcript NM_005585.5 (MANE Select); coding-DNA positions 403 to 423, 21 bases duplicated (GCCGGCGCGCCCCGGGACGCC).
Protein change: p.Ala141_Ser142insAlaGlyAlaProArgAspAla.
Molecular consequence: inframe insertion. On other transcripts: non-coding transcript variant (1).
Genome position (GRCh38, 1-based): chr15:66,703,661-66,703,681, GCCGGCGCGCCCCGGGACGCC duplicated; duplicating any 21 consecutive bases within chr15:66,703,652-66,703,681 gives the same sequence; the c. name uses the placement nearest the transcript's 3' end. VCF-style (leftmost placement, unchanged base first): chr15-66703651-G-GCGGGACGCCGCCGGCGCGCCC. GRCh37 (hg19) VCF-style: chr15-66995989-G-GCGGGACGCCGCCGGCGCGCCC.
Identifiers: ClinVar variation 2726578 (VCV002726578.3), dbSNP rs779805606, ClinGen allele CA2184198526.
Genomic context (GRCh38, chr15:66,703,651, plus strand): 5'-AGGCCCGGGCTGGCTGCCCGAGAGTGACTGCGAGACGGTGACCTGCTGTCTCTTTTCGGA[G>GCGGGACGCCGCCGGCGCGCCC]CGGGACGCCGCCGGCGCGCCCCGGGACGCCAGCGACCCCCTGGCCGGGGCGGCCCTGGAG-3'